The following is an entry in ClinVar:

ClinVar aggregate classification (germline): Conflicting classifications of pathogenicity. Review status: criteria provided, conflicting classifications (1 of 4 stars). 9 submissions from 9 submitters: Uncertain significance (7); Likely benign (1). 1 of the submissions does not count toward it. Last evaluated 2026-01-16.

Conditions:
Hereditary cancer-predisposing syndrome. Also called: Neoplastic Syndromes, Hereditary; Hereditary Cancer Syndrome; Hereditary neoplastic syndrome; Tumor predisposition. Identifiers: Orphanet 140162, MedGen C0027672, MeSH D009386, MONDO:0015356.
Fanconi anemia (FA). Also called: Fanconi's anemia. Identifiers: Orphanet 84, MedGen C0015625, MeSH D005199, MONDO:0019391.
Fanconi anemia complementation group C (FANCC). Also called: Fanconi anemia, group C; FANCC-Related Fanconi Anemia; FANCONI PANCYTOPENIA, TYPE 3; FACC. Identifiers: Orphanet 84, MedGen C3468041, MONDO:0009213, OMIM 227645.

Allele frequency attached by ClinVar (database versions not stated): gnomAD 0.00001; gnomAD exomes 0.00001 and 0.00004; TOPMed 0.00001; ExAC 0.00004.

Submissions (9):

Labcorp Genetics (formerly Invitae), Labcorp
Classification: Uncertain significance for Fanconi anemia. Last evaluated: 2026-01-16. Review status: criteria provided, single submitter. Criteria: Invitae Variant Classification Sherloc (09022015). Collection method: clinical testing. Allele origin: germline.
Comment: This variant, c.436_438del, results in the deletion of 1 amino acid(s) of the FANCC protein (p.Tyr146del), but otherwise preserves the integrity of the reading frame. This variant is present in population databases (rs761347179, gnomAD 0.05%). This variant has been observed in individual(s) with FANCC-related conditions (PMID: 26556299, 33563768). ClinVar contains an entry for this variant (Variation ID: 456163). Experimental studies and prediction algorithms are not available or were not evaluated, and the functional significance of this variant is currently unknown. In summary, the available evidence is currently insufficient to determine the role of this variant in disease. Therefore, it has been classified as a Variant of Uncertain Significance.

Blueprint Genetics
Classification: Uncertain significance. Last evaluated: 2024-11-15. Review status: criteria provided, single submitter. Criteria: ACMG Guidelines, 2015. Collection method: clinical testing. Allele origin: germline.

Fulgent Genetics
Classification: Uncertain significance for Fanconi anemia complementation group C. Last evaluated: 2024-06-25. Review status: criteria provided, single submitter. Criteria: ACMG Guidelines, 2015. Collection method: clinical testing. Allele origin: germline.

Quest Diagnostics Nichols Institute San Juan Capistrano
Classification: Uncertain significance. Last evaluated: 2022-11-17. Review status: criteria provided, single submitter. Criteria: Quest Diagnostics criteria. Collection method: clinical testing. Allele origin: unknown.
Comment: The frequency of this variant in the general population, 0.000026 (3/113518 chromosomes), is uninformative in assessment of its pathogenicity. In the published literature, the variant has been reported in at least one individual with colorectal cancer (PMID: 33563768 (2022)) and one individual with esophagogastric cancer (PMID: 26556299 (2016)). Based on the available information, we are unable to determine the clinical significance of this variant.

Ambry Genetics
Classification: Likely benign for Hereditary cancer-predisposing syndrome. Last evaluated: 2022-09-28. Review status: criteria provided, single submitter. Criteria: Ambry Variant Classification Scheme 2023. Collection method: clinical testing. Allele origin: germline.

GeneDx
Classification: Uncertain significance. Last evaluated: 2022-06-07. Review status: criteria provided, single submitter. Criteria: GeneDx Variant Classification Process June 2021. Collection method: clinical testing. Allele origin: germline. Affected: yes.
Comment: In-frame deletion of 1 amino acid in a non-repeat region; In silico analysis supports a deleterious effect on protein structure/function; Observed in an individual with gastroesophageal cancer (Schrader et al., 2016); This variant is associated with the following publications: (PMID: 26556299)

Women's Health and Genetics/Laboratory Corporation of America, LabCorp
Classification: Uncertain significance. Last evaluated: 2022-03-01. Review status: criteria provided, single submitter. Criteria: LabCorp Variant Classification Summary - May 2015. Collection method: clinical testing. Allele origin: germline.
Comment: Variant summary: FANCC c.436_438delTAT (p.Tyr146del) results in an in-frame deletion that is predicted to remove one amino acid from the encoded protein. The variant allele was found at a frequency of 4e-05 in 251018 control chromosomes. This frequency is not significantly higher than estimated for a pathogenic variant in FANCC causing Fanconi Anemia Group C (4e-05 vs 0.0018), allowing no conclusion about variant significance. To our knowledge, no occurrence of c.436_438delTAT in individuals affected with Fanconi Anemia Group C and no experimental evidence demonstrating its impact on protein function have been reported. Four clinical diagnostic laboratories have submitted clinical-significance assessments for this variant to ClinVar after 2014 without evidence for independent evaluation. All laboratories classified the variant as uncertain significance. Based on the evidence outlined above, the variant was classified as uncertain significance.

Genetic Services Laboratory, University of Chicago
Classification: Uncertain significance. Last evaluated: 2019-10-24. Review status: criteria provided, single submitter. Criteria: ACMG Guidelines, 2015. Collection method: clinical testing. Allele origin: germline. Affected: no.

Natera, Inc.
Classification: Uncertain significance for Fanconi anemia, group C. Last evaluated: 2020-09-16. Review status: no assertion criteria provided. Collection method: clinical testing. Allele origin: germline. Not counted in ClinVar's aggregate classification.

Literature cited by the submitters: PubMed 26556299 (cited by Labcorp Genetics (formerly Invitae), Labcorp and Quest Diagnostics Nichols Institute San Juan Capistrano); PubMed 33563768 (cited by Labcorp Genetics (formerly Invitae), Labcorp and Quest Diagnostics Nichols Institute San Juan Capistrano).

NM_000136.3(FANCC):c.436_438del (p.Tyr146del)

Gene: FANCC (FA complementation group C; minus strand). Cytogenetic location: 9q22.32.
Variant type: Deletion.
Coding change: c.436_438del on transcript NM_000136.3 (MANE Select); coding-DNA positions 436 to 438, 3 bases deleted (TAT; older notation c.436_438delTAT).
Protein change: p.Tyr146del; deletes tyrosine 146.
Molecular consequence: inframe deletion.
Genome position (GRCh38, 1-based): chr9:95,172,055-95,172,057, ATA deleted on the plus strand (TAT on the coding strand, the reverse complement: FANCC is on the minus strand). VCF-style (leftmost placement, unchanged base first): chr9-95172054-GATA-G. GRCh37 (hg19) VCF-style: chr9-97934336-GATA-G.
Other names: c.436_438del (NM_000136.2); c.436_438del, p.Tyr146del (NM_001243743.2, NM_001243744.2); c.436_438delTAT (NM_000136.3); short protein forms Y146del.
Identifiers: ClinVar variation 456163 (VCV000456163.20), dbSNP rs761347179, ClinGen allele CA5137747.